The following is an entry in ClinVar:

NM_006648.4(WNK2):c.3062G>A (p.Ser1021Asn)

Gene: WNK2 (WNK lysine deficient protein kinase 2; plus strand). Cytogenetic location: 9q22.31.
Variant type: single nucleotide variant.
Coding change: c.3062G>A on transcript NM_006648.4 (MANE Select); coding-DNA position 3062, G replaced by A.
Protein change: p.Ser1021Asn; replaces serine 1021 with asparagine.
Molecular consequence: missense variant.
Genome position (GRCh38, 1-based): chr9:93,259,610, G>A. VCF-style: chr9-93259610-G-A. GRCh37 (hg19) VCF-style: chr9-96021892-G-A.
Other names: c.3062G>A, p.Ser1021Asn (NM_001282394.3); short protein forms S1021N.
Identifiers: ClinVar variation 4866514 (VCV004866514.1).
Genomic context (GRCh38, chr9:93,259,610, plus strand): 5'-GCCCTGAGCCCCTCCAGCCCCACCTTCCTGAACAAGCTGCTCCAGCTGCTACACCAGGGA[G>A]CCAGGTAATCACCTGCTGGGCAGGGGCTCACCCTCCCAGCGTCTGGGGACCCTCAGGACC-3'
Protein context (NP_006639.3, residues 1011-1031): EQAAPAATPG[Ser1021Asn]QILLGHPAPY

ClinVar aggregate classification (germline): Uncertain significance (1 of 4 stars; one submission).

gnomAD v4.1: 8 of 1,578,588 alleles (0.00051%); highest among the groups gnomAD compares: Non-Finnish European, 0.00068%; no homozygotes.

Submission:

Ambry Genetics
Classification: Uncertain significance. Last evaluated: 2026-03-17. Review status: criteria provided, single submitter. Criteria: Ambry Variant Classification Scheme 2023. Collection method: clinical testing. Allele origin: germline.
Comment: The p.S1021N variant (also known as c.3062G>A), located in coding exon 11 of the WNK2 gene, results from a G to A substitution at nucleotide position 3062. The serine at codon 1021 is replaced by asparagine, an amino acid with highly similar properties. This amino acid position is conserved. In addition, this alteration is predicted to be tolerated by in silico analysis. Based on the available evidence, the clinical significance of this variant remains unclear.